The following is an entry in ClinVar:

NC_000006.11:g.(?_162622143)_(162868359_?)del

Gene: PRKN (parkin RBR E3 ubiquitin protein ligase; minus strand). Cytogenetic location: 6q26.
Variant type: Deletion.
Identifiers: ClinVar variation 3246179 (VCV003246179.1).

ClinVar aggregate classification (germline): Pathogenic (1 of 4 stars; one submission).

Submission:

Labcorp Genetics (formerly Invitae), Labcorp
Classification: Pathogenic. Last evaluated: 2023-02-15. Review status: criteria provided, single submitter. Criteria: Invitae Variant Classification Sherloc (09022015). Collection method: clinical testing. Allele origin: unknown.
Comment: This variant is a gross deletion of the genomic region encompassing exon(s) 2-4 of the PRKN gene. This deletion is out-of-frame, and is expected to create a premature termination codon and result in an absent or disrupted protein product. Loss-of-function variants in PRKN are known to be pathogenic (PMID: 10072423, 20301651, 22956510). A similar copy number variant has been observed in individual(s) with early-onset Parkinson's disease (PMID: 10824074, 10939576, 23880019). For these reasons, this variant has been classified as Pathogenic.

Literature cited by the submitters: PubMed 10072423; PubMed 20301651; PubMed 22956510; PubMed 10824074; PubMed 10939576; PubMed 23880019.